The following is an entry in ClinVar:

NM_000091.5(COL4A3):c.987G>A (p.Lys329=)

Genes: MFF-DT (MFF divergent transcript; minus strand), COL4A3 (collagen type IV alpha 3 chain; plus strand). Cytogenetic location: 2q36.3.
Variant type: single nucleotide variant.
Coding change: c.987G>A on transcript NM_000091.5 (MANE Select); coding-DNA position 987, G replaced by A.
Protein change: p.Lys329=; no amino-acid change (lysine 329 retained).
Molecular consequence: synonymous variant.
Genome position (GRCh38, 1-based): chr2:227,256,396, G>A. VCF-style: chr2-227256396-G-A. GRCh37 (hg19) VCF-style: chr2-228121112-G-A.
Identifiers: ClinVar variation 3242556 (VCV003242556.2), dbSNP rs754085928.

ClinVar aggregate classification (germline): Pathogenic. Review status: criteria provided, single submitter (1 of 4 stars). 2 submissions from 2 submitters: Pathogenic (1). 1 of the submissions does not count toward it. Last evaluated 2024-06-05.

Conditions:
COL4A3-related disorder. Also called: COL4A3-related condition; COL4A3-Related Disorders.
Autosomal dominant Alport syndrome (ATS3A). Also called: Alport syndrome dominant type; Renal failure and sensorineural hearing loss; ALPORT SYNDROME 3A, AUTOSOMAL DOMINANT. Identifiers: Orphanet 63, Orphanet 88918, MedGen C5882663, MONDO:0007086, OMIM 104200.

Allele frequency attached by ClinVar (database versions not stated): ExAC 0.00001.

Submissions (2):

Palindrome, Gene Kavoshgaran Aria
Classification: Pathogenic for Autosomal dominant Alport syndrome. Last evaluated: 2024-06-05. Review status: criteria provided, single submitter. Criteria: ACMG Guidelines, 2015. Collection method: clinical testing. Allele origin: germline. Inheritance: Autosomal recessive inheritance. Affected: yes. Observed: 1 homozygote.

PreventionGenetics, part of Exact Sciences
Classification: Uncertain significance for COL4A3-related condition. Last evaluated: 2024-09-16. Review status: no assertion criteria provided. Collection method: clinical testing. Allele origin: germline. Not counted in ClinVar's aggregate classification.
Comment: The COL4A3 c.987G>A variant is not predicted to result in an amino acid change (p.=). This variant is located at the last nucleotide of exon 17 which is predicted to abolish the nearby canonical splice donor site (Alamut Visual Plus v1.6.1; SpliceAI, Jaganathan et al. 2019. PubMed ID: 30661751). However, the use of computer prediction programs is not equivalent to functional evidence. To our knowledge, this variant has not been reported in the literature. This variant has not been reported in a large population database, indicating this variant is rare. Although we suspect that this variant may be pathogenic, at this time, the clinical significance of this variant is uncertain due to the absence of conclusive functional and genetic evidence.